The following is an entry in ClinVar:

ClinVar aggregate classification (germline): Uncertain significance. Review status: criteria provided, multiple submitters, no conflicts (2 of 4 stars). 2 submissions from 2 submitters: Uncertain significance (2). Last evaluated 2026-03-29.

Conditions:
Hereditary cancer-predisposing syndrome. Also called: Neoplastic Syndromes, Hereditary; Tumor predisposition; Hereditary Cancer Syndrome; Hereditary neoplastic syndrome. Identifiers: Orphanet 140162, MedGen C0027672, MeSH D009386, MONDO:0015356.
Tumor predisposition syndrome 3 (TPDS3). Also called: Melanoma, cutaneous malignant, susceptibility to, 10; LONG TELOMERE SYNDROME, POT1-RELATED; POT1 Tumor Predisposition; Glioma susceptibility 9. Identifiers: Orphanet 618, MedGen C4014476, MONDO:0014368, OMIM 615848.

Allele frequency attached by ClinVar (database versions not stated): ExAC 0.00002; gnomAD 0.00001; gnomAD exomes below 0.00001.

Submissions (2):

Ambry Genetics
Classification: Uncertain significance for Hereditary cancer-predisposing syndrome. Last evaluated: 2026-03-29. Review status: criteria provided, single submitter. Criteria: Ambry Variant Classification Scheme 2023. Collection method: clinical testing. Allele origin: germline.
Comment: The p.E293K variant (also known as c.877G>A), located in coding exon 7 of the POT1 gene, results from a G to A substitution at nucleotide position 877. The glutamic acid at codon 293 is replaced by lysine, an amino acid with similar properties. This amino acid position is conserved. In addition, this alteration is predicted to be tolerated by in silico analysis. Based on the available evidence, the clinical significance of this variant remains unclear.

Labcorp Genetics (formerly Invitae), Labcorp
Classification: Uncertain significance for Tumor predisposition syndrome 3. Last evaluated: 2026-01-07. Review status: criteria provided, single submitter. Criteria: Invitae Variant Classification Sherloc (09022015). Collection method: clinical testing. Allele origin: germline.
Comment: This sequence change replaces glutamic acid, which is acidic and polar, with lysine, which is basic and polar, at codon 293 of the POT1 protein (p.Glu293Lys). This variant is present in population databases (rs764938664, gnomAD 0.002%). This variant has not been reported in the literature in individuals affected with POT1-related conditions. ClinVar contains an entry for this variant (Variation ID: 2073212). Invitae Evidence Modeling of protein sequence and biophysical properties (such as structural, functional, and spatial information, amino acid conservation, physicochemical variation, residue mobility, and thermodynamic stability) indicates that this missense variant is not expected to disrupt POT1 protein function with a negative predictive value of 80%. In summary, the available evidence is currently insufficient to determine the role of this variant in disease. Therefore, it has been classified as a Variant of Uncertain Significance.

NM_015450.3(POT1):c.877G>A (p.Glu293Lys)

Gene: POT1 (protection of telomeres 1; minus strand). Cytogenetic location: 7q31.33.
Variant type: single nucleotide variant.
Coding change: c.877G>A on transcript NM_015450.3 (MANE Select); coding-DNA position 877, G replaced by A.
Protein change: p.Glu293Lys; replaces glutamic acid 293 with lysine.
Molecular consequence: missense variant. On other transcripts: non-coding transcript variant (3).
Genome position (GRCh38, 1-based): chr7:124,851,944, C>T on the plus strand (G>A on the coding strand, the complement: POT1 is on the minus strand). VCF-style: chr7-124851944-C-T. GRCh37 (hg19) VCF-style: chr7-124491998-C-T.
Other names: c.877G>A (NM_015450.2); c.484G>A, p.Glu162Lys (NM_001042594.2); short protein forms E162K, E293K.
Identifiers: ClinVar variation 2073212 (VCV002073212.5), dbSNP rs764938664, ClinGen allele CA4465320.